The following is an entry in ClinVar:

NM_152783.5(D2HGDH):c.1243G>A (p.Val415Met)

Gene: D2HGDH (D-2-hydroxyglutarate dehydrogenase; plus strand). Cytogenetic location: 2q37.3.
Variant type: single nucleotide variant.
Coding change: c.1243G>A on transcript NM_152783.5 (MANE Select); coding-DNA position 1243, G replaced by A.
Protein change: p.Val415Met; replaces valine 415 with methionine.
Molecular consequence: missense variant. On other transcripts: non-coding transcript variant (1).
Genome position (GRCh38, 1-based): chr2:241,755,951, G>A. VCF-style: chr2-241755951-G-A. GRCh37 (hg19) VCF-style: chr2-242695366-G-A.
Other names: c.841G>A, p.Val281Met (NM_001287249.2); c.682G>A, p.Val228Met (NM_001352824.2); c.1243G>A (NM_152783.3); short protein forms V228M, V415M, V281M.
Identifiers: ClinVar variation 1480672 (VCV001480672.5), dbSNP rs371794611, ClinGen allele CA2222131.

ClinVar aggregate classification (germline): Conflicting classifications of pathogenicity. Review status: criteria provided, conflicting classifications (1 of 4 stars). 3 submissions from 3 submitters: Likely pathogenic (1); Uncertain significance (2). Last evaluated 2024-11-23.

Conditions:
Inborn genetic diseases. Identifiers: MedGen C0950123, MeSH D030342.
D-2-hydroxyglutaric aciduria 1 (D2HGA1). Identifiers: Orphanet 79315, MedGen C3152055, MONDO:0024554, OMIM 600721.

Allele frequency attached by ClinVar (database versions not stated): gnomAD 0.00005 and 0.00006; ESP Exome Variant Server 0.00008.

Submissions (3):

Ambry Genetics
Classification: Uncertain significance for Inborn genetic diseases. Last evaluated: 2024-11-23. Review status: criteria provided, single submitter. Criteria: Ambry Variant Classification Scheme 2023. Collection method: clinical testing. Allele origin: germline.

Victorian Clinical Genetics Services, Murdoch Childrens Research Institute
Classification: Likely pathogenic for D-2-hydroxyglutaric aciduria 1. Last evaluated: 2022-02-02. Review status: criteria provided, single submitter. Criteria: ACMG Guidelines, 2015. Collection method: clinical testing. Allele origin: germline. Inheritance: Autosomal recessive inheritance. Affected: yes.
Comment: Based on the classification scheme VCGS_Germline_v1.1.1, this variant is classified as Likely Pathogenic. Following criteria are met: 0102 - Loss-of-function is a known mechanism of disease for this gene. (N) 0106 - This gene is known to be associated with autosomal recessive disease. (N) 0200 - Variant is predicted to result in a missense amino acid change from valine to methionine (exon 9). (N) 0251 - Variant is heterozygous. (N) 0304 - Variant is present in gnomAD <0.01 for a recessive condition (4 heterozygotes, 0 homozygotes). (P) 0309 - An alternative amino acid change at the same position has been observed in gnomAD (1 heterozygote, 0 homozygotes). (N) 0501 - Missense variant consistently predicted to be damaging by multiple in silico tools or highly conserved with a major amino acid change. (P) 0600 - Variant is located in an annotated domain or motif (FAD linked oxidases C-terminal domain; PDB). (N) 0705 - No comparable variants have previous evidence for pathogenicity. (N) 0807 - Variant has not previously been reported in a clinical context. (N) 0905 - No segregation evidence has been identified for this variant. (N) 1006 - Clinically accredited laboratory assay shows abnormal function of product not specific to the gene. Biochemical analysis performed by VCGS demonstrates that result are compatible with D-2-hydroxyglutaric aciduria type 1. (P) 1201 - Heterozygous variant detected in trans with a second pathogenic heterozygous variant in a recessive disease (confirmed by segregation studies). (N) Legend: (P) - Pathogenic, (N) - Neutral, (B) - Benign

Labcorp Genetics (formerly Invitae), Labcorp
Classification: Uncertain significance for D-2-hydroxyglutaric aciduria 1. Last evaluated: 2021-12-02. Review status: criteria provided, single submitter. Criteria: Invitae Variant Classification Sherloc (09022015). Collection method: clinical testing. Allele origin: germline.
Comment: This sequence change replaces valine, which is neutral and non-polar, with methionine, which is neutral and non-polar, at codon 415 of the D2HGDH protein (p.Val415Met). This variant is present in population databases (rs371794611, gnomAD 0.01%). This variant has not been reported in the literature in individuals affected with D2HGDH-related conditions. Algorithms developed to predict the effect of missense changes on protein structure and function are either unavailable or do not agree on the potential impact of this missense change (SIFT: "Deleterious"; PolyPhen-2: "Probably Damaging"; Align-GVGD: "Class C0"). In summary, the available evidence is currently insufficient to determine the role of this variant in disease. Therefore, it has been classified as a Variant of Uncertain Significance.